The following is an entry in ClinVar:

ClinVar aggregate classification (germline): Uncertain significance (1 of 4 stars; one submission).

Conditions:
Developmental and epileptic encephalopathy 104 (DEE104). Identifiers: MedGen C5774183, MONDO:0031021, OMIM 619970.

Submission:

Pittsburgh Clinical Genomics Laboratory, University of Pittsburgh Medical Center
Classification: Uncertain significance for Developmental and epileptic encephalopathy 104. Last evaluated: 2023-03-20. Review status: criteria provided, single submitter. Criteria: ACMG Guidelines, 2015. Collection method: clinical testing. Allele origin: germline. Inheritance: Autosomal unknown. Affected: yes.
Comment: This sequence variant is a single nucleotide substitution (C>G) at coding position 1251 in the ATP6V0A1 gene which results in a phenylalanine to leucine amino acid change at residue 417 in the ATP6V0A1 protein. This novel variant has not been reported previously in individuals with ATP6V0A1-related disease, to our knowledge. This variant is absent from the gnomAD population database (0/251446 alleles). Phenylalanine is highly conserved at this protein position in vertebrates, though multiple bioinformatic tools predict that this amino acid change is likely to be tolerated. Functiol studies assessing the effect of this variant on protein structure or activity have not been performed, to our knowledge. At this time, there is insufficient evidence to determine if this variant is pathogenic or benign. Therefore, we consider it to be a variant of uncertain significance. ACMG Criteria: BP4, PM2

NM_001130021.3(ATP6V0A1):c.1230C>G (p.Phe410Leu)

Gene: ATP6V0A1 (ATPase H+ transporting V0 subunit a1; plus strand). Cytogenetic location: 17q21.2.
Variant type: single nucleotide variant.
Coding change: c.1230C>G on transcript NM_001130021.3 (MANE Select); coding-DNA position 1230, C replaced by G.
Protein change: p.Phe410Leu; replaces phenylalanine 410 with leucine.
Molecular consequence: missense variant.
Genome position (GRCh38, 1-based): chr17:42,494,389, C>G. VCF-style: chr17-42494389-C-G. GRCh37 (hg19) VCF-style: chr17-40646407-C-G.
Other names: c.1122C>G, p.Phe374Leu (NM_001378556.1, NM_001378536.1, NM_001378550.1); c.1230C>G, p.Phe410Leu (NM_001378557.1, NM_005177.5, NM_001378535.1 and 4 more transcripts); c.1251C>G, p.Phe417Leu (NM_001130020.3, NM_001378522.1, NM_001378523.1 and 3 more transcripts); c.1353C>G, p.Phe451Leu (NM_001378530.1, NM_001378533.1, NM_001378551.1 and 1 more transcripts); c.1374C>G, p.Phe458Leu (NM_001378531.1, NM_001378532.1); c.1101C>G, p.Phe367Leu (NM_001378538.1, NM_001378540.1); c.1071C>G, p.Phe357Leu (NM_001378543.1); c.1020C>G, p.Phe340Leu (NM_001378545.1, NM_001378554.1); and 2 more; short protein forms F339L, F340L, F350L, F357L, F367L, F374L, F410L, F417L.
Identifiers: ClinVar variation 3376171 (VCV003376171.1).